The following is an entry in ClinVar:

NM_006648.4(WNK2):c.4972A>G (p.Arg1658Gly)

Gene: WNK2 (WNK lysine deficient protein kinase 2; plus strand). Cytogenetic location: 9q22.31.
Variant type: single nucleotide variant.
Coding change: c.4972A>G on transcript NM_006648.4 (MANE Select); coding-DNA position 4972, A replaced by G.
Protein change: p.Arg1658Gly; replaces arginine 1658 with glycine.
Molecular consequence: missense variant.
Genome position (GRCh38, 1-based): chr9:93,292,343, A>G. VCF-style: chr9-93292343-A-G. GRCh37 (hg19) VCF-style: chr9-96054625-A-G.
Other names: c.5083A>G, p.Arg1695Gly (NM_001282394.3); short protein forms R1658G, R1695G.
Identifiers: ClinVar variation 3817217 (VCV003817217.1).

ClinVar aggregate classification (germline): Uncertain significance (1 of 4 stars; one submission).

Submission:

Ambry Genetics
Classification: Uncertain significance. Last evaluated: 2025-03-06. Review status: criteria provided, single submitter. Criteria: Ambry Variant Classification Scheme 2023. Collection method: clinical testing. Allele origin: germline.
Comment: The p.R1658G variant (also known as c.4972A>G), located in coding exon 21 of the WNK2 gene, results from an A to G substitution at nucleotide position 4972. The arginine at codon 1658 is replaced by glycine, an amino acid with dissimilar properties. This amino acid position is conserved. In addition, this alteration is predicted to be tolerated by in silico analysis. Based on the available evidence, the clinical significance of this variant remains unclear.